The following is an entry in ClinVar:

ClinVar aggregate classification (germline): Uncertain significance (1 of 4 stars; one submission).

Conditions:
Genitopatellar syndrome (GTPTS). Also called: Genitopatellar syndrome (GPS); ABSENT PATELLAE, SCROTAL HYPOPLASIA, RENAL ANOMALIES, FACIAL DYSMORPHISM, AND MENTAL RETARDATION. Identifiers: Orphanet 85201, MedGen C1853566, MONDO:0011640, OMIM 606170.

Allele frequency attached by ClinVar (database versions not stated): gnomAD 0.00001; TOPMed 0.00002; gnomAD exomes 0.00003.
gnomAD v4.1: 42 of 1,613,962 alleles (0.0026%); highest among the groups gnomAD compares: Non-Finnish European, 0.0036%; no homozygotes.

Submission:

Labcorp Genetics (formerly Invitae), Labcorp
Classification: Uncertain significance for Genitopatellar syndrome. Last evaluated: 2024-12-24. Review status: criteria provided, single submitter. Criteria: Invitae Variant Classification Sherloc (09022015). Collection method: clinical testing. Allele origin: germline.
Comment: This sequence change replaces glycine, which is neutral and non-polar, with cysteine, which is neutral and slightly polar, at codon 387 of the KAT6B protein (p.Gly387Cys). This variant is present in population databases (no rsID available, gnomAD 0.004%). This variant has not been reported in the literature in individuals affected with KAT6B-related conditions. ClinVar contains an entry for this variant (Variation ID: 2039163). Invitae Evidence Modeling of protein sequence and biophysical properties (such as structural, functional, and spatial information, amino acid conservation, physicochemical variation, residue mobility, and thermodynamic stability) indicates that this missense variant is not expected to disrupt KAT6B protein function with a negative predictive value of 80%. In summary, the available evidence is currently insufficient to determine the role of this variant in disease. Therefore, it has been classified as a Variant of Uncertain Significance.

NM_012330.4(KAT6B):c.1159G>T (p.Gly387Cys)

Gene: KAT6B (lysine acetyltransferase 6B; plus strand). Cytogenetic location: 10q22.2.
Variant type: single nucleotide variant.
Coding change: c.1159G>T on transcript NM_012330.4 (MANE Select); coding-DNA position 1159, G replaced by T.
Protein change: p.Gly387Cys; replaces glycine 387 with cysteine.
Molecular consequence: missense variant. On other transcripts: intron variant (11).
Genome position (GRCh38, 1-based): chr10:74,975,496, G>T. VCF-style: chr10-74975496-G-T. GRCh37 (hg19) VCF-style: chr10-76735254-G-T.
Other names: c.1159G>T, p.Gly387Cys (NM_001256468.2, NM_001370136.1, NM_001370137.1 and 1 more transcripts); c.1117+42G>T (NM_001370139.1, NM_001370140.1, NM_001370141.1 and 3 more transcripts); c.846+5721G>T (NM_001370133.1); c.193-3728G>T (NM_001370134.1); c.929-1820G>T (NM_001370143.1, NM_001370144.1); c.193-13523G>T (NM_001370135.1); short protein forms G387C.
Identifiers: ClinVar variation 2039163 (VCV002039163.3), dbSNP rs1209018258, ClinGen allele CA377284788.